The following is an entry in ClinVar:

NM_001844.5(COL2A1):c.2581G>C (p.Gly861Arg)

Gene: COL2A1 (collagen type II alpha 1 chain; minus strand). Cytogenetic location: 12q13.11.
Variant type: single nucleotide variant.
Coding change: c.2581G>C on transcript NM_001844.5 (MANE Select); coding-DNA position 2581, G replaced by C.
Protein change: p.Gly861Arg; replaces glycine 861 with arginine.
Molecular consequence: missense variant.
Genome position (GRCh38, 1-based): chr12:47,980,598, C>G on the plus strand (G>C on the coding strand, the complement: COL2A1 is on the minus strand). VCF-style: chr12-47980598-C-G. GRCh37 (hg19) VCF-style: chr12-48374381-C-G.
Other names: c.2374G>C, p.Gly792Arg (NM_033150.3); short protein forms G792R, G861R.
Identifiers: ClinVar variation 1708062 (VCV001708062.2), dbSNP rs2540122331, ClinGen allele CA384544422.
Genomic context (GRCh38, chr12:47,980,598, plus strand): 5'-GTGCAGCGTTACCCACCTGAGGCCCAGGTGCTCCAGAGGGGCCCTGAGGACCAGGGGCAC[C>G]AGCATCGCCTTTCTGGCCGGCCTCTCCTTGCTCACCCTTGGCCCCAGGCTGGCCATCAGC-3'
Protein context (NP_001835.3, residues 851-871): QGEAGQKGDA[Gly861Arg]APGPQGPSGA

ClinVar aggregate classification (germline): Likely pathogenic. Review status: criteria provided, multiple submitters, no conflicts (2 of 4 stars). 2 submissions from 2 submitters: Likely pathogenic (2). Last evaluated 2024-04-15.

Conditions:
Type 2 collagenopathy. Identifiers: Orphanet 93421, MedGen C2931073, MONDO:0022800.
Spondyloperipheral dysplasia. Also called: SPONDYLOPERIPHERAL DYSPLASIA WITH SHORT ULNA; Spondyloperipheral dysplasia-short ulna syndrome. Identifiers: Orphanet 1856, MedGen C0796173, MONDO:0010078, OMIM 271700.

Submissions (2):

Illumina Laboratory Services, Illumina
Classification: Likely pathogenic for Type 2 collagenopathy. Last evaluated: 2024-04-15. Review status: criteria provided, single submitter. Criteria: ICSLVariantClassificationCriteria RUGD 01 April 2020. Collection method: clinical testing. Allele origin: unknown.
Comment: The COL2A1 c.2581G>C p.(Gly861Arg) missense variant lies in the Gly-X-Y repeat motif of the triple helical domain of the protein, which is critical for triple helix formation (PMID: 31021589). This variant is not observed in version 2.1.1 or version 4.0.0 of the Genome Aggregation Database. To our knowledge, this variant has not been reported in the peer-reviewed literature. However, two different amino acid substitutions at the same codon, p.(Gly861Val) and p.(Gly861Asp), have been reported in individuals with COL2A1-related disorders (PMID: 35574990; ClinVar). Multiple lines of computational evidence suggest the p.(Gly861Arg) variant may impact the gene or gene product. Based on the available evidence, the c.2581G>C p.(Gly861Arg) variant is classified as likely pathogenic for COL2A1-related disorders.

Laboratory of Medical Genetics, National & Kapodistrian University of Athens
Classification: Likely pathogenic for Spondyloperipheral dysplasia. Last evaluated: 2022-07-18. Review status: criteria provided, single submitter. Criteria: ACMG Guidelines, 2015. Collection method: clinical testing. Allele origin: germline. Affected: yes.
Comment: PM2, PM5, PP2, PP3

Literature cited by the submitters: PubMed 31021589 (cited by Illumina Laboratory Services, Illumina); PubMed 35574990 (cited by Illumina Laboratory Services, Illumina).